The following is an entry in ClinVar:

ClinVar aggregate classification (germline): Pathogenic (0 of 4 stars; one submission).

Conditions:
Angelman syndrome (AS). Also called: HAPPY PUPPET SYNDROME. Identifiers: Orphanet 72, MedGen C0162635, MONDO:0007113, OMIM 105830. Disease mechanism: loss of function. Inheritance: AS is caused by disruption of maternally imprinted UBE3A located within the 15q11.2-q13 Angelman syndrome/Prader-Willi syndrome (AS/PWS) region., imprinting disorder.

Submission:

Baylor Genetics
Classification: Pathogenic for Angelman Syndrome. Last evaluated: 2014-02-14. Review status: no assertion criteria provided. Collection method: clinical testing. Allele origin: de novo. Affected: yes. Observed: 1 variant allele. Study: UBE3A Mutation Study.
Comment: Data collected from clinical UBE3A sequence analysis results

Literature cited by the submitters: PubMed 25212744.

NM_130839.5(UBE3A):c.2027C>T (p.Thr676Ile)

Genes: SNHG14 (small nucleolar RNA host gene 14; plus strand), UBE3A (ubiquitin protein ligase E3A; minus strand). Cytogenetic location: 15q11.2.
Variant type: single nucleotide variant.
Coding change: c.2027C>T on transcript NM_130839.5 (MANE Select); coding-DNA position 2027, C replaced by T.
Protein change: p.Thr676Ile; replaces threonine 676 with isoleucine.
Molecular consequence: missense variant. On other transcripts: non-coding transcript variant (1), intron variant (1).
Genome position (GRCh38, 1-based): chr15:25,355,989, G>A on the plus strand (C>T on the coding strand, the complement: UBE3A is on the minus strand). VCF-style: chr15-25355989-G-A. GRCh37 (hg19) VCF-style: chr15-25601136-G-A.
Other names: c.2036C>T, p.Thr679Ile (NM_000462.5); c.2027C>T, p.Thr676Ile (NM_001354505.1, NM_001354538.2, NM_001354545.2); c.1967C>T, p.Thr656Ile (NM_001354506.2, NM_001354507.2, NM_001354508.2 and 16 more transcripts); c.1850C>T, p.Thr617Ile (NM_001354546.2); c.776C>T, p.Thr259Ile (NM_001354550.2); c.716C>T, p.Thr239Ile (NM_001354551.2); c.1899+702C>T (NM_001354549.2); short protein forms T656I, T259I, T239I, T676I, T617I, T679I.
Identifiers: ClinVar variation 155989 (VCV000155989.1), dbSNP rs587781236, ClinGen allele CA333375.